The following is an entry in ClinVar:

NM_000384.3(APOB):c.5732C>G (p.Thr1911Arg)

Gene: APOB (apolipoprotein B; minus strand). Cytogenetic location: 2p24.1.
Variant type: single nucleotide variant.
Coding change: c.5732C>G on transcript NM_000384.3 (MANE Select); coding-DNA position 5732, C replaced by G.
Protein change: p.Thr1911Arg; replaces threonine 1911 with arginine.
Molecular consequence: missense variant.
Genome position (GRCh38, 1-based): chr2:21,011,136, G>C on the plus strand (C>G on the coding strand, the complement: APOB is on the minus strand). VCF-style: chr2-21011136-G-C. GRCh37 (hg19) VCF-style: chr2-21234008-G-C.
Other names: short protein forms T1911R.
Identifiers: ClinVar variation 2451310 (VCV002451310.3), dbSNP rs2465373783, ClinGen allele CA346004095.

ClinVar aggregate classification (germline): Uncertain significance. Review status: criteria provided, multiple submitters, no conflicts (2 of 4 stars). 2 submissions from 2 submitters: Uncertain significance (2). Last evaluated 2026-03-25.

Conditions:
Cardiovascular phenotype. Identifiers: MedGen CN230736.

gnomAD v4.1: 1 of 1,614,202 alleles (0.000062%); highest among the groups gnomAD compares: Non-Finnish European, 0.000085%; no homozygotes.

Submissions (2):

GeneDx
Classification: Uncertain significance. Last evaluated: 2026-03-25. Review status: criteria provided, single submitter. Criteria: GeneDx Variant Classification Process June 2021. Collection method: clinical testing. Allele origin: germline.
Comment: Not observed at significant frequency in large population cohorts (gnomAD); In silico analysis supports that this missense variant has a deleterious effect on protein structure/function; Has not been previously published as pathogenic or benign to our knowledge

Ambry Genetics
Classification: Uncertain significance for Cardiovascular phenotype. Last evaluated: 2023-01-16. Review status: criteria provided, single submitter. Criteria: Ambry Variant Classification Scheme 2023. Collection method: clinical testing. Allele origin: germline.
Comment: The p.T1911R variant (also known as c.5732C>G), located in coding exon 26 of the APOB gene, results from a C to G substitution at nucleotide position 5732. The threonine at codon 1911 is replaced by arginine, an amino acid with similar properties. This amino acid position is conserved. In addition, this alteration is predicted to be tolerated by in silico analysis. Since supporting evidence is limited at this time, the clinical significance of this alteration remains unclear.